The following is an entry in ClinVar:

ClinVar aggregate classification (germline): Uncertain significance (1 of 4 stars; one submission).

Submission:

GeneDx
Classification: Uncertain significance. Last evaluated: 2024-08-24. Review status: criteria provided, single submitter. Criteria: GeneDx Variant Classification Process June 2021. Collection method: clinical testing. Allele origin: germline. Affected: yes.
Comment: Not observed at significant frequency in large population cohorts (gnomAD); In silico analysis indicates that this missense variant does not alter protein structure/function; Has not been previously published as pathogenic or benign to our knowledge

NM_181332.3(NLGN4X):c.1519C>A (p.Leu507Ile)

Gene: NLGN4X (neuroligin 4 X-linked; minus strand). Cytogenetic location: Xp22.32.
Variant type: single nucleotide variant.
Coding change: c.1519C>A on transcript NM_181332.3 (MANE Select); coding-DNA position 1519, C replaced by A.
Protein change: p.Leu507Ile; replaces leucine 507 with isoleucine.
Molecular consequence: missense variant.
Genome position (GRCh38, 1-based): chrX:5,903,159, G>T on the plus strand (C>A on the coding strand, the complement: NLGN4X is on the minus strand). VCF-style: chrX-5903159-G-T. GRCh37 (hg19) VCF-style: chrX-5821200-G-T.
Other names: c.1519C>A, p.Leu507Ile (NM_001282145.2, NM_001282146.2, NM_020742.4); short protein forms L507I.
Identifiers: ClinVar variation 3764113 (VCV003764113.1).